The following is an entry in ClinVar:

NM_024422.6(DSC2):c.2482A>C (p.Ser828Arg)

Gene: DSC2 (desmocollin 2; minus strand). Cytogenetic location: 18q12.1.
Variant type: single nucleotide variant.
Coding change: c.2482A>C on transcript NM_024422.6 (MANE Select); coding-DNA position 2482, A replaced by C.
Protein change: p.Ser828Arg; replaces serine 828 with arginine.
Molecular consequence: missense variant.
Genome position (GRCh38, 1-based): chr18:31,068,920, T>G on the plus strand (A>C on the coding strand, the complement: DSC2 is on the minus strand). VCF-style: chr18-31068920-T-G. GRCh37 (hg19) VCF-style: chr18-28648886-T-G.
Other names: c.2053A>C, p.Ser685Arg (NM_001406506.1, NM_001406507.1); c.2482A>C, p.Ser828Arg (NM_004949.5); c.2482A>C (NM_024422.3); short protein forms S685R, S828R.
Identifiers: ClinVar variation 3072149 (VCV003072149.2), dbSNP rs776286024, ClinGen allele CA402111177.

ClinVar aggregate classification (germline): Uncertain significance. Review status: criteria provided, multiple submitters, no conflicts (2 of 4 stars). 2 submissions from 2 submitters: Uncertain significance (2). Last evaluated 2024-10-04.

Conditions:
Familial isolated arrhythmogenic right ventricular dysplasia. Identifiers: Orphanet 217656, MedGen C4274968, MONDO:0016342.
Cardiovascular phenotype. Identifiers: MedGen CN230736.

Submissions (2):

Ambry Genetics
Classification: Uncertain significance for Cardiovascular phenotype. Last evaluated: 2024-10-04. Review status: criteria provided, single submitter. Criteria: Ambry Variant Classification Scheme 2023. Collection method: clinical testing. Allele origin: germline.
Comment: The p.S828R variant (also known as c.2482A>C), located in coding exon 15 of the DSC2 gene, results from an A to C substitution at nucleotide position 2482. The serine at codon 828 is replaced by arginine, an amino acid with dissimilar properties. This amino acid position is conserved. In addition, this alteration is predicted to be tolerated by in silico analysis. Based on the available evidence, the clinical significance of this variant remains unclear.

All of Us Research Program, National Institutes of Health
Classification: Uncertain significance for Familial isolated arrhythmogenic right ventricular dysplasia. Last evaluated: 2023-06-26. Review status: criteria provided, single submitter. Criteria: ACMG Guidelines, 2015. Collection method: clinical testing. Allele origin: germline. Inheritance: Autosomal dominant inheritance. Observed: 1 variant allele, 1 heterozygote.
Comment: This missense variant replaces serine with arginine at codon 828 of the DSC2 protein. Computational prediction suggests that this variant may not impact protein structure and function (internally defined REVEL score threshold <= 0.5, PMID: 27666373). To our knowledge, functional studies have not been reported for this variant. This variant has not been reported in individuals affected with DSC2-related disorders in the literature. This variant has not been identified in the general population by the Genome Aggregation Database (gnomAD). The available evidence is insufficient to determine the role of this variant in disease conclusively. Therefore, this variant is classified as a Variant of Uncertain Significance.

This study involves interpretation of variants in research participants for the purpose of population health screening. Participant phenotype was not available at the time of variant classification. Additional details can be found in publication PMID: 35346344, PMCID: PMC8962531